The following is an entry in ClinVar:

ClinVar aggregate classification (germline): Uncertain significance (1 of 4 stars; one submission).

Allele frequency attached by ClinVar (database versions not stated): TOPMed below 0.00001; ExAC 0.00001; gnomAD exomes 0.00001.
gnomAD v4.1: 12 of 1,613,918 alleles (0.00074%); highest among the groups gnomAD compares: Non-Finnish European, 0.001%; no homozygotes.

Submission:

Labcorp Genetics (formerly Invitae), Labcorp
Classification: Uncertain significance. Last evaluated: 2022-05-08. Review status: criteria provided, single submitter. Criteria: Invitae Variant Classification Sherloc (09022015). Collection method: clinical testing. Allele origin: germline.
Comment: In summary, the available evidence is currently insufficient to determine the role of this variant in disease. Therefore, it has been classified as a Variant of Uncertain Significance. Algorithms developed to predict the effect of missense changes on protein structure and function (SIFT, PolyPhen-2, Align-GVGD) all suggest that this variant is likely to be tolerated. This variant has not been reported in the literature in individuals affected with HELLS-related conditions. This variant is present in population databases (rs753493390, gnomAD 0.002%). This sequence change replaces valine, which is neutral and non-polar, with leucine, which is neutral and non-polar, at codon 222 of the HELLS protein (p.Val222Leu).

NM_018063.5(HELLS):c.664G>C (p.Val222Leu)

Gene: HELLS (helicase, lymphoid specific; plus strand). Cytogenetic location: 10q23.33.
Variant type: single nucleotide variant.
Coding change: c.664G>C on transcript NM_018063.5 (MANE Select); coding-DNA position 664, G replaced by C.
Protein change: p.Val222Leu; replaces valine 222 with leucine.
Molecular consequence: missense variant. On other transcripts: 5 prime UTR variant (2).
Genome position (GRCh38, 1-based): chr10:94,574,146, G>C. VCF-style: chr10-94574146-G-C. GRCh37 (hg19) VCF-style: chr10-96333903-G-C.
Other names: c.664G>C, p.Val222Leu (NM_001289067.2, NM_001289069.2, NM_001289070.2 and 1 more transcripts); c.616G>C, p.Val206Leu (NM_001289068.2); c.292G>C, p.Val98Leu (NM_001289071.2); c.250G>C, p.Val84Leu (NM_001289073.2); c.-339G>C (NM_001289074.2); c.-358G>C (NM_001289075.2); short protein forms V84L, V206L, V222L, V98L.
Identifiers: ClinVar variation 1959930 (VCV001959930.5), dbSNP rs753493390, ClinGen allele CA5615340.